The following is an entry in ClinVar:

NM_001282531.3(ADNP):c.933G>A (p.Lys311=)

Gene: ADNP (activity dependent neuroprotector homeobox; minus strand). Cytogenetic location: 20q13.13.
Variant type: single nucleotide variant.
Coding change: c.933G>A on transcript NM_001282531.3 (MANE Select); coding-DNA position 933, G replaced by A.
Protein change: p.Lys311=; no amino-acid change (lysine 311 retained).
Molecular consequence: synonymous variant.
Genome position (GRCh38, 1-based): chr20:50,893,781, C>T on the plus strand (G>A on the coding strand, the complement: ADNP is on the minus strand). VCF-style: chr20-50893781-C-T. GRCh37 (hg19) VCF-style: chr20-49510318-C-T.
Other names: c.933G>A, p.Lys311= (NM_001282532.2, NM_001347511.2, NM_015339.5 and 1 more transcripts).
Identifiers: ClinVar variation 2796351 (VCV002796351.3), dbSNP rs945064257, ClinGen allele CA315258065.

ClinVar aggregate classification (germline): Uncertain significance (1 of 4 stars; one submission).

Allele frequency attached by ClinVar (database versions not stated): gnomAD exomes 0.00002.
gnomAD v4.1: 22 of 1,614,142 alleles (0.0014%); highest among the groups gnomAD compares: Non-Finnish European, 0.0019%; no homozygotes.

Submission:

Labcorp Genetics (formerly Invitae), Labcorp
Classification: Uncertain significance. Last evaluated: 2023-06-09. Review status: criteria provided, single submitter. Criteria: Invitae Variant Classification Sherloc (09022015). Collection method: clinical testing. Allele origin: germline.
Comment: This sequence change affects codon 311 of the ADNP mRNA. It is a 'silent' change, meaning that it does not change the encoded amino acid sequence of the ADNP protein. This variant is not present in population databases (gnomAD no frequency). In summary, the available evidence is currently insufficient to determine the role of this variant in disease. Therefore, it has been classified as a Variant of Uncertain Significance. This variant has not been reported in the literature in individuals affected with ADNP-related conditions.